The following is an entry in ClinVar:

NM_002541.4(OGDH):c.2722G>A (p.Val908Met)

Gene: OGDH (oxoglutarate dehydrogenase; plus strand). Cytogenetic location: 7p13.
Variant type: single nucleotide variant.
Coding change: c.2722G>A on transcript NM_002541.4 (MANE Select); coding-DNA position 2722, G replaced by A.
Protein change: p.Val908Met; replaces valine 908 with methionine.
Molecular consequence: missense variant.
Genome position (GRCh38, 1-based): chr7:44,707,314, G>A. VCF-style: chr7-44707314-G-A. GRCh37 (hg19) VCF-style: chr7-44746913-G-A.
Other names: c.2710G>A, p.Val904Met (NM_001165036.2); c.2755G>A, p.Val919Met (NM_001363523.2); short protein forms V908M, V919M, V904M.
Identifiers: ClinVar variation 1414760 (VCV001414760.4), dbSNP rs1316468187, ClinGen allele CA367406921.
Genomic context (GRCh38, chr7:44,707,314, plus strand): 5'-GATGGCCCTGCAGCTCAGAACCCAGAAAATGTCAAAAGGCTTCTCTTCTGCACCGGCAAA[G>A]TGTATTATGACCTCACCCGGGAGCGCAAAGCACGCGACATGGTGGGGCAGGTGGCCATCA-3'
Protein context (NP_002532.2, residues 898-918): VKRLLFCTGK[Val908Met]YYDLTRERKA

ClinVar aggregate classification (germline): Uncertain significance (1 of 4 stars; one submission).

Conditions:
Oxoglutaricaciduria. Identifiers: Orphanet 31, MedGen C2752074, MONDO:0008759, OMIM 203740.

Allele frequency attached by ClinVar (database versions not stated): TOPMed below 0.00001.

Submission:

Labcorp Genetics (formerly Invitae), Labcorp
Classification: Uncertain significance for Oxoglutaricaciduria. Last evaluated: 2022-08-16. Review status: criteria provided, single submitter. Criteria: Invitae Variant Classification Sherloc (09022015). Collection method: clinical testing. Allele origin: germline.
Comment: In summary, the available evidence is currently insufficient to determine the role of this variant in disease. Therefore, it has been classified as a Variant of Uncertain Significance. Algorithms developed to predict the effect of missense changes on protein structure and function are either unavailable or do not agree on the potential impact of this missense change (SIFT: "Deleterious"; PolyPhen-2: "Possibly Damaging"; Align-GVGD: "Class C0"). ClinVar contains an entry for this variant (Variation ID: 1414760). This variant has not been reported in the literature in individuals affected with OGDH-related conditions. This variant is present in population databases (no rsID available, gnomAD 0.007%). This sequence change replaces valine, which is neutral and non-polar, with methionine, which is neutral and non-polar, at codon 908 of the OGDH protein (p.Val908Met).